The following is an entry in ClinVar:

NM_015978.3(TNNI3K):c.289C>G (p.Leu97Val)

Genes: FPGT-TNNI3K (FPGT-TNNI3K readthrough; plus strand), TNNI3K (TNNI3 interacting kinase; plus strand). Cytogenetic location: 1p31.1.
Variant type: single nucleotide variant.
Coding change: c.289C>G on transcript NM_015978.3 (MANE Select); coding-DNA position 289, C replaced by G.
Protein change: p.Leu97Val; replaces leucine 97 with valine.
Molecular consequence: missense variant.
Genome position (GRCh38, 1-based): chr1:74,250,725, C>G. VCF-style: chr1-74250725-C-G. GRCh37 (hg19) VCF-style: chr1-74716409-C-G.
Other names: c.592C>G, p.Leu198Val (NM_001112808.3, NM_001199327.2); c.289C>G (NM_015978.2); short protein forms L198V, L97V.
Identifiers: ClinVar variation 2091438 (VCV002091438.5), dbSNP rs1452380676, ClinGen allele CA340788173.

ClinVar aggregate classification (germline): Uncertain significance. Review status: criteria provided, multiple submitters, no conflicts (2 of 4 stars). 2 submissions from 2 submitters: Uncertain significance (2). Last evaluated 2025-07-31.

Conditions:
Inborn genetic diseases. Identifiers: MedGen C0950123, MeSH D030342.

gnomAD v4.1: 1 of 1,613,320 alleles (0.000062%); highest among the groups gnomAD compares: South Asian, 0.0011%; no homozygotes.

Submissions (2):

Ambry Genetics
Classification: Uncertain significance for Inborn genetic diseases. Last evaluated: 2025-07-31. Review status: criteria provided, single submitter. Criteria: Ambry Variant Classification Scheme 2023. Collection method: clinical testing. Allele origin: germline.

Labcorp Genetics (formerly Invitae), Labcorp
Classification: Uncertain significance. Last evaluated: 2022-05-26. Review status: criteria provided, single submitter. Criteria: Invitae Variant Classification Sherloc (09022015). Collection method: clinical testing. Allele origin: germline.
Comment: This variant has not been reported in the literature in individuals affected with TNNI3K-related conditions. In summary, the available evidence is currently insufficient to determine the role of this variant in disease. Therefore, it has been classified as a Variant of Uncertain Significance. Algorithms developed to predict the effect of missense changes on protein structure and function are either unavailable or do not agree on the potential impact of this missense change (SIFT: "Deleterious"; PolyPhen-2: "Possibly Damaging"; Align-GVGD: "Class C0"). This variant is present in population databases (no rsID available, gnomAD 0.0009%). This sequence change replaces leucine, which is neutral and non-polar, with valine, which is neutral and non-polar, at codon 97 of the TNNI3K protein (p.Leu97Val).